The following is an entry in ClinVar:

ClinVar aggregate classification (germline): Uncertain significance (1 of 4 stars; one submission).

Conditions:
Deafness-lymphedema-leukemia syndrome. Also called: Lymphedema, primary, with myelodysplasia; Emberger syndrome. Identifiers: Orphanet 3226, MedGen C3279664, MONDO:0013540, OMIM 614038.
Monocytopenia with susceptibility to infections. Also called: MONOCYTOPENIA AND MYCOBACTERIAL INFECTION SYNDROME; MONOCYTOPENIA WITH SUSCEPTIBILITY TO MYCOBACTERIAL, FUNGAL, AND PAPILLOMAVIRUS INFECTIONS AND MYELODYSPLASIA; COMBINED IMMUNODEFICIENCY WITH SUSCEPTIBILITY TO MYCOBACTERIAL, VIRAL, AND FUNGAL INFECTIONS; Dendritic cell, monocyte, B lymphocyte, and natural killer lymphocyte deficiency; IMMUNODEFICIENCY 21; GATA2 DEFICIENCY. Identifiers: Orphanet 228423, MedGen C3280030, MONDO:0013607, OMIM 614172.

Allele frequency attached by ClinVar (database versions not stated): gnomAD exomes below 0.00001; ExAC 0.00001.

Submission:

Labcorp Genetics (formerly Invitae), Labcorp
Classification: Uncertain significance for Monocytopenia with susceptibility to infections; Deafness-lymphedema-leukemia syndrome. Last evaluated: 2024-11-18. Review status: criteria provided, single submitter. Criteria: Invitae Variant Classification Sherloc (09022015). Collection method: clinical testing. Allele origin: germline.
Comment: This sequence change replaces histidine, which is basic and polar, with tyrosine, which is neutral and polar, at codon 436 of the GATA2 protein (p.His436Tyr). This variant is present in population databases (rs773731858, gnomAD 0.006%). This variant has not been reported in the literature in individuals affected with GATA2-related conditions. ClinVar contains an entry for this variant (Variation ID: 2149277). Invitae Evidence Modeling of protein sequence and biophysical properties (such as structural, functional, and spatial information, amino acid conservation, physicochemical variation, residue mobility, and thermodynamic stability) has been performed for this missense variant. However, the output from this modeling did not meet the statistical confidence thresholds required to predict the impact of this variant on GATA2 protein function. In summary, the available evidence is currently insufficient to determine the role of this variant in disease. Therefore, it has been classified as a Variant of Uncertain Significance.

NM_032638.5(GATA2):c.1306C>T (p.His436Tyr)

Gene: GATA2 (GATA binding protein 2; minus strand). Cytogenetic location: 3q21.3.
Variant type: single nucleotide variant.
Coding change: c.1306C>T on transcript NM_032638.5 (MANE Select); coding-DNA position 1306, C replaced by T.
Protein change: p.His436Tyr; replaces histidine 436 with tyrosine.
Molecular consequence: missense variant.
Genome position (GRCh38, 1-based): chr3:128,481,156, G>A on the plus strand (C>T on the coding strand, the complement: GATA2 is on the minus strand). VCF-style: chr3-128481156-G-A. GRCh37 (hg19) VCF-style: chr3-128199999-G-A.
Other names: c.1306C>T, p.His436Tyr (NM_001145661.2); c.1264C>T, p.His422Tyr (NM_001145662.1); short protein forms H422Y, H436Y.
Identifiers: ClinVar variation 2149277 (VCV002149277.4), dbSNP rs773731858, ClinGen allele CA2599804.
Genomic context (GRCh38, chr3:128,481,156, plus strand): 5'-GAGTGGGCAGGATGTGTCCGGAGTGGCTGAAGGGCGGGAGGTGGCCCACAGGTGCCATGT[G>A]TCCAGCCAGGGCAGCTGCACTGAAGGGGGATGACTTCTCCTGCATGCACTTTGACAGCTC-3'
Protein context (NP_116027.2, residues 426-446): SPFSAAALAG[His436Tyr]MAPVGHLPPF